The following is an entry in ClinVar:

NM_001365276.2(TNXB):c.6241A>G (p.Ser2081Gly)

Gene: TNXB (tenascin XB; minus strand). Cytogenetic location: 6p21.33.
Variant type: single nucleotide variant.
Coding change: c.6241A>G on transcript NM_001365276.2 (MANE Select); coding-DNA position 6241, A replaced by G.
Protein change: p.Ser2081Gly; replaces serine 2081 with glycine.
Molecular consequence: missense variant.
Genome position (GRCh38, 1-based): chr6:32,067,964, T>C on the plus strand (A>G on the coding strand, the complement: TNXB is on the minus strand). VCF-style: chr6-32067964-T-C. GRCh37 (hg19) VCF-style: chr6-32035741-T-C.
Other names: c.6982A>G, p.Ser2328Gly (NM_001428335.1); c.6241A>G, p.Ser2081Gly (NM_019105.8); short protein forms S2081G, S2328G.
Identifiers: ClinVar variation 3227300 (VCV003227300.1), dbSNP rs2483565594, ClinGen allele CA363401284.

ClinVar aggregate classification (germline): Uncertain significance (1 of 4 stars; one submission).

Conditions:
Cardiovascular phenotype. Identifiers: MedGen CN230736.

Allele frequency attached by ClinVar (database versions not stated): gnomAD exomes 0.00001.
gnomAD v4.1: 4 of 1,611,464 alleles (0.00025%); highest among the groups gnomAD compares: Non-Finnish European, 0.00034%; no homozygotes.

Submission:

Ambry Genetics
Classification: Uncertain significance for Cardiovascular phenotype. Last evaluated: 2023-12-03. Review status: criteria provided, single submitter. Criteria: Ambry Variant Classification Scheme 2023. Collection method: clinical testing. Allele origin: germline.
Comment: The p.S2081G variant (also known as c.6241A>G), located in coding exon 17 of the TNXB gene, results from an A to G substitution at nucleotide position 6241. The serine at codon 2081 is replaced by glycine, an amino acid with similar properties. This amino acid position is conserved. In addition, this alteration is predicted to be tolerated by in silico analysis. Since supporting evidence is limited at this time, the clinical significance of this alteration remains unclear.